The following is an entry in ClinVar:

ClinVar aggregate classification (germline): Uncertain significance (1 of 4 stars; one submission).

Conditions:
Gorlin syndrome. Also called: Nevoid Basal Cell Carcinoma Syndrome; Basal cell nevus syndrome. Identifiers: Orphanet 377, MedGen C0004779, MONDO:0007187.

Submission:

Labcorp Genetics (formerly Invitae), Labcorp
Classification: Uncertain significance for Gorlin syndrome. Last evaluated: 2024-02-05. Review status: criteria provided, single submitter. Criteria: Invitae Variant Classification Sherloc (09022015). Collection method: clinical testing. Allele origin: germline.
Comment: This sequence change replaces glutamine, which is neutral and polar, with histidine, which is basic and polar, at codon 413 of the PTCH1 protein (p.Gln413His). This variant is not present in population databases (gnomAD no frequency). This variant has not been reported in the literature in individuals affected with PTCH1-related conditions. Advanced modeling of protein sequence and biophysical properties (such as structural, functional, and spatial information, amino acid conservation, physicochemical variation, residue mobility, and thermodynamic stability) performed at Invitae indicates that this missense variant is not expected to disrupt PTCH1 protein function with a negative predictive value of 95%. In summary, the available evidence is currently insufficient to determine the role of this variant in disease. Therefore, it has been classified as a Variant of Uncertain Significance.

NM_000264.5(PTCH1):c.1239G>C (p.Gln413His)

Gene: PTCH1 (patched 1; minus strand). Cytogenetic location: 9q22.32.
Variant type: single nucleotide variant.
Coding change: c.1239G>C on transcript NM_000264.5 (MANE Select); coding-DNA position 1239, G replaced by C.
Protein change: p.Gln413His; replaces glutamine 413 with histidine.
Molecular consequence: missense variant. On other transcripts: non-coding transcript variant (1).
Genome position (GRCh38, 1-based): chr9:95,478,163, C>G on the plus strand (G>C on the coding strand, the complement: PTCH1 is on the minus strand). VCF-style: chr9-95478163-C-G. GRCh37 (hg19) VCF-style: chr9-98240445-C-G.
Other names: c.1041G>C, p.Gln347His (NM_001083602.3); c.1236G>C, p.Gln412His (NM_001083603.3); c.786G>C, p.Gln262His (NM_001083604.3, NM_001083605.3, NM_001083606.3 and 1 more transcripts); c.1239G>C, p.Gln413His (NM_001354918.2); short protein forms Q262H, Q413H, Q347H, Q412H.
Identifiers: ClinVar variation 3635858 (VCV003635858.2).